The following is an entry in ClinVar:

NM_015322.5(FEM1B):c.1567G>T (p.Ala523Ser)

Gene: FEM1B (fem-1 homolog B; plus strand). Cytogenetic location: 15q23.
Variant type: single nucleotide variant.
Coding change: c.1567G>T on transcript NM_015322.5 (MANE Select); coding-DNA position 1567, G replaced by T.
Protein change: p.Ala523Ser; replaces alanine 523 with serine.
Molecular consequence: missense variant.
Genome position (GRCh38, 1-based): chr15:68,290,925, G>T. VCF-style: chr15-68290925-G-T. GRCh37 (hg19) VCF-style: chr15-68583263-G-T.
Other names: short protein forms A523S.
Identifiers: ClinVar variation 3365321 (VCV003365321.1).

ClinVar aggregate classification (germline): Uncertain significance (1 of 4 stars; one submission).

Submission:

GeneDx
Classification: Uncertain significance. Last evaluated: 2023-12-06. Review status: criteria provided, single submitter. Criteria: GeneDx Variant Classification Process June 2021. Collection method: clinical testing. Allele origin: germline. Affected: yes.
Comment: Not observed at significant frequency in large population cohorts (gnomAD); In silico analysis supports that this missense variant has a deleterious effect on protein structure/function; Has not been previously published as pathogenic or benign to our knowledge; Variants in candidate genes are classified as variants of uncertain significance in accordance with ACMG guidelines (PMID: 25741868)